The following is an entry in ClinVar:

NM_002878.4(RAD51D):c.251C>T (p.Thr84Ile)

Genes: RAD51L3-RFFL (RAD51L3-RFFL readthrough; minus strand), RAD51D (RAD51 paralog D; minus strand). Cytogenetic location: 17q12.
Variant type: single nucleotide variant.
Coding change: c.251C>T on transcript NM_002878.4 (MANE Select); coding-DNA position 251, C replaced by T.
Protein change: p.Thr84Ile; replaces threonine 84 with isoleucine.
Molecular consequence: missense variant. On other transcripts: intron variant (2).
Genome position (GRCh38, 1-based): chr17:35,118,513, G>A on the plus strand (C>T on the coding strand, the complement: RAD51D is on the minus strand). VCF-style: chr17-35118513-G-A. GRCh37 (hg19) VCF-style: chr17-33445532-G-A.
Other names: c.144+598C>T (NM_133629.3, NM_001142571.2); short protein forms T84I.
Identifiers: ClinVar variation 1792509 (VCV001792509.2), dbSNP rs2091775868, ClinGen allele CA399091195.

ClinVar aggregate classification (germline): Uncertain significance (1 of 4 stars; one submission).

Conditions:
Hereditary cancer-predisposing syndrome. Also called: Hereditary Cancer Syndrome; Hereditary neoplastic syndrome; Tumor predisposition; Neoplastic Syndromes, Hereditary. Identifiers: Orphanet 140162, MedGen C0027672, MeSH D009386, MONDO:0015356.

Submission:

Ambry Genetics
Classification: Uncertain significance for Hereditary cancer-predisposing syndrome. Last evaluated: 2020-04-02. Review status: criteria provided, single submitter. Criteria: Ambry Variant Classification Scheme 2023. Collection method: clinical testing. Allele origin: germline.
Comment: The p.T84I variant (also known as c.251C>T), located in coding exon 3 of the RAD51D gene, results from a C to T substitution at nucleotide position 251. The threonine at codon 84 is replaced by isoleucine, an amino acid with similar properties. This amino acid position is highly conserved in available vertebrate species. In addition, this alteration is predicted to be deleterious by in silico analysis. Since supporting evidence is limited at this time, the clinical significance of this alteration remains unclear.